The following is an entry in ClinVar:

ClinVar aggregate classification (germline): Pathogenic (0 of 4 stars; one submission).

Conditions:
PKD1-related disorder. Also called: PKD1-related condition.

Submission:

PreventionGenetics, part of Exact Sciences
Classification: Pathogenic for PKD1-related condition. Last evaluated: 2024-09-05. Review status: no assertion criteria provided. Collection method: clinical testing. Allele origin: germline.
Comment: The PKD1 c.2801delG variant is predicted to result in a frameshift and premature protein termination (p.Gly934Alafs*17). To our knowledge, this variant has not been reported in the literature or in a large population database, indicating this variant is rare. Frameshift variants in PKD1 are expected to be pathogenic. This variant is interpreted as pathogenic.

NM_001009944.3(PKD1):c.2801del (p.Gly934fs)

Gene: PKD1 (polycystin 1, transient receptor potential channel interacting; minus strand). Cytogenetic location: 16p13.3.
Variant type: Deletion.
Coding change: c.2801del on transcript NM_001009944.3 (MANE Select); coding-DNA position 2801, one base deleted (G; older notation c.2801delG).
Protein change: p.Gly934fs; shifts the reading frame from glycine 934.
Molecular consequence: frameshift variant.
Genome position (GRCh38, 1-based): chr16:2,114,222, C deleted on the plus strand (G on the coding strand, the reverse complement: PKD1 is on the minus strand); the first of 2 consecutive C bases (chr16:2,114,222-2,114,223); deleting either gives the same sequence. VCF-style (leftmost placement, unchanged base first): chr16-2114221-GC-G. GRCh37 (hg19) VCF-style: chr16-2164222-GC-G.
Other names: c.2801del, p.Gly934fs (NM_000296.4); c.2801delG (NM_001009944.2); short protein forms G934fs.
Identifiers: ClinVar variation 3346265 (VCV003346265.1).